The following is an entry in ClinVar:

NM_001375567.1(FOCAD):c.857G>A (p.Cys286Tyr)

Gene: FOCAD (focadhesin; plus strand). Cytogenetic location: 9p21.3.
Variant type: single nucleotide variant.
Coding change: c.857G>A on transcript NM_001375567.1 (MANE Select); coding-DNA position 857, G replaced by A.
Protein change: p.Cys286Tyr; replaces cysteine 286 with tyrosine.
Molecular consequence: missense variant.
Genome position (GRCh38, 1-based): chr9:20,770,189, G>A. VCF-style: chr9-20770189-G-A. GRCh37 (hg19) VCF-style: chr9-20770188-G-A.
Other names: c.857G>A, p.Cys286Tyr (NM_001375568.1, NM_017794.5); c.752G>A, p.Cys251Tyr (NM_001375570.1); short protein forms C286Y, C251Y.
Identifiers: ClinVar variation 3710101 (VCV003710101.2).

ClinVar aggregate classification (germline): Uncertain significance (1 of 4 stars; one submission).

Submission:

Labcorp Genetics (formerly Invitae), Labcorp
Classification: Uncertain significance. Last evaluated: 2025-12-17. Review status: criteria provided, single submitter. Criteria: Invitae Variant Classification Sherloc (09022015). Collection method: clinical testing. Allele origin: germline.
Comment: This sequence change replaces cysteine, which is neutral and slightly polar, with tyrosine, which is neutral and polar, at codon 286 of the FOCAD protein (p.Cys286Tyr). This variant is present in population databases (rs762612023, gnomAD 0.2%), and has an allele count higher than expected for a pathogenic variant. This variant has not been reported in the literature in individuals affected with FOCAD-related conditions. ClinVar contains an entry for this variant (Variation ID: 3710101). Experimental studies and prediction algorithms are not available or were not evaluated, and the functional significance of this variant is currently unknown. In summary, the available evidence is currently insufficient to determine the role of this variant in disease. Therefore, it has been classified as a Variant of Uncertain Significance.